The following is an entry in ClinVar:

NM_001130987.2(DYSF):c.1959_1960del (p.Gln654fs)

Gene: DYSF (dysferlin; plus strand). Cytogenetic location: 2p13.2.
Variant type: Deletion.
Coding change: c.1959_1960del on transcript NM_001130987.2 (MANE Select); coding-DNA positions 1959 to 1960, 2 bases deleted (TC; older notation c.1959_1960delTC).
Protein change: p.Gln654fs; shifts the reading frame from glutamine 654.
Molecular consequence: frameshift variant.
Genome position (GRCh38, 1-based): chr2:71,553,163-71,553,164, TC deleted; deleting any 2 consecutive bases within chr2:71,553,162-71,553,164 gives the same sequence; the c. name uses the placement nearest the transcript's 3' end. VCF-style (leftmost placement, unchanged base first): chr2-71553161-ACT-A. GRCh37 (hg19) VCF-style: chr2-71780291-ACT-A.
Other names: c.1908_1909del, p.Gln637fs (NM_001130455.2, NM_001130983.2); c.1863_1864del, p.Gln622fs (NM_001130976.2, NM_001130977.2); c.1905_1906del, p.Gln636fs (NM_001130978.2, NM_003494.4); c.1998_1999del, p.Gln667fs (NM_001130979.2); c.1956_1957del, p.Gln653fs (NM_001130980.2, NM_001130981.2); c.2001_2002del, p.Gln668fs (NM_001130982.2); c.1866_1867del, p.Gln623fs (NM_001130984.2, NM_001130986.2); c.1959_1960del, p.Gln654fs (NM_001130985.2); short protein forms Q622fs, Q623fs, Q636fs, Q637fs, Q653fs, Q654fs, Q667fs, Q668fs.
Identifiers: ClinVar variation 5012839 (VCV005012839.1).
Genomic context (GRCh38, chr2:71,553,161, plus strand): 5'-GTCAGCATCGGGAACTACGGGAACAAGTTCGACATGACCTGCCTGCCGCTGGCCTCCACC[ACT>A]CAGTACAGCCGTGCAGTCTTTGACGGTGAGGCAGTGCTCCTGGCTGGGACCCCGATCACA-3'

ClinVar aggregate classification (germline): Pathogenic (1 of 4 stars; one submission).

Conditions:
Autosomal recessive limb-girdle muscular dystrophy. Identifiers: Orphanet 102015, MedGen C2931907, MONDO:0015152.

Submission:

Myriad Genetics, Inc.
Classification: Pathogenic for Autosomal recessive limb-girdle muscular dystrophy. Last evaluated: 2024-03-21. Review status: criteria provided, single submitter. Criteria: Myriad Autosomal Dominant, Autosomal Recessive and X-Linked Classification Criteria (2023). Collection method: clinical testing. Allele origin: unknown.
Comment: NM_003494.3(DYSF):c.1905_1906delTC(Q636Vfs*7) is expected to be pathogenic in the context of dysferlinopathy. This variant is predicted to lead to an abnormal or absent protein product due to the creation of a premature termination codon in DYSF, a gene where loss-of-function variants are known to be pathogenic. Please note: this variant was assessed in the context of healthy population screening.